The following is an entry in ClinVar:

NM_002386.4(MC1R):c.247T>C (p.Ser83Pro)

Gene: MC1R (melanocortin 1 receptor; plus strand). Cytogenetic location: 16q24.3.
Variant type: single nucleotide variant.
Coding change: c.247T>C on transcript NM_002386.4 (MANE Select); coding-DNA position 247, T replaced by C.
Protein change: p.Ser83Pro; replaces serine 83 with proline.
Molecular consequence: missense variant.
Genome position (GRCh38, 1-based): chr16:89,919,505, T>C. VCF-style: chr16-89919505-T-C. GRCh37 (hg19) VCF-style: chr16-89985913-T-C.
Other names: p.Ser83Pro; short protein forms S83P.
Identifiers: ClinVar variation 321422 (VCV000321422.45), dbSNP rs34474212, ClinGen allele CA8255535.

ClinVar aggregate classification (germline): Conflicting classifications of pathogenicity. Review status: criteria provided, conflicting classifications (1 of 4 stars). 9 submissions from 9 submitters: Uncertain significance (4); Benign (1); Likely benign (4). Last evaluated 2026-01-13.

Conditions:
Tyrosinase-positive oculocutaneous albinism (OCA2). Also called: ALBINISM II; Albinism, oculocutaneous, type II; Oculocutaneous albinism type 2. Identifiers: Orphanet 79432, MedGen C0268495, MONDO:0008746, OMIM 203200.
SKIN/HAIR/EYE PIGMENTATION, VARIATION IN, 2 (SHEP2). Also called: RED HAIR COLOR; HAIR COLOR 2; BLOND HAIR/FAIR SKIN. Identifiers: MedGen C1849452, OMIM 266300.
Melanoma, cutaneous malignant, susceptibility to, 5. Also called: Cutaneous malignant melanoma 5. Identifiers: Orphanet 618, MedGen C2751295, MONDO:0013133, OMIM 613099.

Allele frequency attached by ClinVar (database versions not stated): gnomAD exomes 0.00101 and 0.00050; 1000 Genomes Project 30x 0.00016; 1000 Genomes Project 0.00020; gnomAD 0.00064 and 0.00069; TOPMed 0.00073; ExAC 0.00077; ESP Exome Variant Server 0.00077.

Submissions (9):

Labcorp Genetics (formerly Invitae), Labcorp
Classification: Benign for Melanoma, cutaneous malignant, susceptibility to, 5. Last evaluated: 2026-01-13. Review status: criteria provided, single submitter. Criteria: Invitae Variant Classification Sherloc (09022015). Collection method: clinical testing. Allele origin: germline.

Blueprint Genetics
Classification: Uncertain significance. Last evaluated: 2024-11-23. Review status: criteria provided, single submitter. Criteria: ACMG Guidelines, 2015. Collection method: clinical testing. Allele origin: germline.

GeneDx
Classification: Uncertain significance. Last evaluated: 2024-09-18. Review status: criteria provided, single submitter. Criteria: GeneDx Variant Classification Process June 2021. Collection method: clinical testing. Allele origin: germline. Affected: yes.
Comment: Identified in either the homozygous state or with a second MC1R variant in an individual with pale skin and red hair, however, additional clinical and segregation information were not provided (PMID: 11933208); In silico analysis supports that this missense variant has a deleterious effect on protein structure/function; This variant is associated with the following publications: (PMID: 34426522, 30531825, 35452484, 23647022, 38565069, 11933208, 19656326, 24335900)

ARUP Laboratories, Molecular Genetics and Genomics, ARUP Laboratories
Classification: Likely benign. Last evaluated: 2024-03-19. Review status: criteria provided, single submitter. Criteria: ARUP Molecular Germline Variant Investigation Process 2024. Collection method: clinical testing. Allele origin: germline.

CeGaT Center for Human Genetics Tuebingen
Classification: Likely benign. Last evaluated: 2024-02-01. Review status: criteria provided, single submitter. Criteria: CeGaT Center For Human Genetics Tuebingen Variant Classification Criteria Version 2. Collection method: clinical testing. Allele origin: germline. Affected: yes. Observed: 1 variant allele.
Comment: MC1R: BP4

Mayo Clinic Laboratories, Mayo Clinic
Classification: Uncertain significance. Last evaluated: 2022-09-01. Review status: criteria provided, single submitter. Criteria: ACMG Guidelines, 2015. Collection method: clinical testing. Allele origin: germline. Observed: 2 variant alleles.

Department of Pathology and Laboratory Medicine, Sinai Health System
Classification: Likely benign for Tyrosinase-positive oculocutaneous albinism. Last evaluated: 2020-05-04. Review status: criteria provided, single submitter. Criteria: ACMG Guidelines, 2015. Collection method: research. Allele origin: germline.

Illumina Laboratory Services, Illumina
Classification: Likely benign for Melanoma, cutaneous malignant, susceptibility to, 5. Last evaluated: 2017-04-27. Review status: criteria provided, single submitter. Criteria: ICSL Variant Classification Criteria 13 December 2019. Collection method: clinical testing. Allele origin: germline.
Comment: This variant was observed as part of a predisposition screen in an ostensibly healthy population. A literature search was performed for the gene, cDNA change, and amino acid change (where applicable). Publications were found based on this search. The evidence from the literature, in combination with allele frequency data from public databases where available, was sufficient to determine this variant is unlikely to cause disease. Therefore, this variant is classified as likely benign.

Institute of Human Genetics, University Hospital of Duesseldorf
Classification: Uncertain significance for SKIN/HAIR/EYE PIGMENTATION, VARIATION IN, 2. Review status: criteria provided, single submitter. Criteria: ACMG Guidelines, 2015. Collection method: not provided. Allele origin: germline. Inheritance: Autosomal recessive inheritance. Affected: yes.

Literature cited by the submitters: PubMed 17434924 (cited by Mayo Clinic Laboratories, Mayo Clinic and Illumina Laboratory Services, Illumina); PubMed 19320745 (cited by Mayo Clinic Laboratories, Mayo Clinic and Illumina Laboratory Services, Illumina); PubMed 23647022 (cited by Mayo Clinic Laboratories, Mayo Clinic); PubMed 24335900 (cited by Mayo Clinic Laboratories, Mayo Clinic); PubMed 11933208 (cited by Illumina Laboratory Services, Illumina).